The following is an entry in ClinVar:

NM_000088.4(COL1A1):c.787G>A (p.Gly263Arg)

Genes: COL1A1 (collagen type I alpha 1 chain; minus strand), LOC126862586 (CDK7 strongly-dependent group 2 enhancer GRCh37_chr17:48273702-48274901; plus strand). Cytogenetic location: 17q21.33.
Variant type: single nucleotide variant.
Coding change: c.787G>A on transcript NM_000088.4 (MANE Select); coding-DNA position 787, G replaced by A.
Protein change: p.Gly263Arg; replaces glycine 263 with arginine.
Molecular consequence: missense variant.
Genome position (GRCh38, 1-based): chr17:50,197,027, C>T on the plus strand (G>A on the coding strand, the complement: COL1A1 is on the minus strand). VCF-style: chr17-50197027-C-T. GRCh37 (hg19) VCF-style: chr17-48274388-C-T.
Other names: G85R; short protein forms G263R.
Identifiers: ClinVar variation 17316 (VCV000017316.2), dbSNP rs72645323, ClinGen allele CA257875.

ClinVar aggregate classification (germline): Pathogenic. Review status: criteria provided, single submitter (1 of 4 stars). 2 submissions from 2 submitters: Pathogenic (1). 1 of the submissions does not count toward it. Last evaluated 2025-05-04.

Conditions:
Osteogenesis imperfecta type I (OI1). Also called: OI, TYPE I; OSTEOGENESIS IMPERFECTA TARDA; OSTEOGENESIS IMPERFECTA WITH BLUE SCLERAE; Lobstein disease; Osteogenesis imperfecta type 1; Lobstein's Disease. Identifiers: Orphanet 216796, Orphanet 666, MedGen C0023931, MONDO:0008146, OMIM 166200. Disease mechanism: loss of function.
Osteogenesis imperfecta (OI). Identifiers: Orphanet 666, MedGen C0029434, MeSH D010013, MONDO:0019019.

Submissions (2):

Labcorp Genetics (formerly Invitae), Labcorp
Classification: Pathogenic for Osteogenesis imperfecta type I. Last evaluated: 2025-05-04. Review status: criteria provided, single submitter. Criteria: Invitae Variant Classification Sherloc (09022015). Collection method: clinical testing. Allele origin: germline.
Comment: This sequence change replaces glycine, which is neutral and non-polar, with arginine, which is basic and polar, at codon 263 of the COL1A1 protein (p.Gly263Arg). This variant is not present in population databases (gnomAD no frequency). This missense change has been observed in individual(s) with osteogenesis imperfecta (PMID: 1718984). This variant is also known as Gly85Arg. ClinVar contains an entry for this variant (Variation ID: 17316). Invitae Evidence Modeling of protein sequence and biophysical properties (such as structural, functional, and spatial information, amino acid conservation, physicochemical variation, residue mobility, and thermodynamic stability) indicates that this missense variant is expected to disrupt COL1A1 protein function with a positive predictive value of 95%. This variant disrupts the triple helix domain of COL1A1. Glycine residues within the Gly-Xaa-Yaa repeats of the triple helix domain are required for the structure and stability of fibrillar collagens (PMID: 7695699, 8218237, 19344236). In COL1A1, variants affecting these glycine residues are significantly enriched in individuals with disease (PMID: 9016532, 17078022) compared to the general population (ExAC). This variant disrupts the p.Gly263 amino acid residue in COL1A1. Other variant(s) that disrupt this residue have been observed in individuals with COL1A1-related conditions (PMID: 1718984, 8223589, 27509835), which suggests that this may be a clinically significant amino acid residue. For these reasons, this variant has been classified as Pathogenic.

OMIM
Classification: Pathogenic for OSTEOGENESIS IMPERFECTA. Last evaluated: 1986-07-05. Review status: no assertion criteria provided. Collection method: literature only. Allele origin: germline. Not counted in ClinVar's aggregate classification.

Literature cited by the submitters: PubMed 1718984 (cited by Labcorp Genetics (formerly Invitae), Labcorp); PubMed 7695699 (cited by Labcorp Genetics (formerly Invitae), Labcorp); PubMed 8218237 (cited by Labcorp Genetics (formerly Invitae), Labcorp); PubMed 19344236 (cited by Labcorp Genetics (formerly Invitae), Labcorp); PubMed 9016532 (cited by Labcorp Genetics (formerly Invitae), Labcorp); PubMed 17078022 (cited by Labcorp Genetics (formerly Invitae), Labcorp); PubMed 8223589 (cited by Labcorp Genetics (formerly Invitae), Labcorp); PubMed 27509835 (cited by Labcorp Genetics (formerly Invitae), Labcorp); PubMed 3722186 (cited by OMIM); PubMed 1137656 (cited by OMIM).